The following is an entry in ClinVar:

NM_001258392.3(CLPB):c.1140C>T (p.Asp380=)

Genes: CLPB (ClpB family mitochondrial disaggregase; minus strand), LOC126861258 (MED14-independent group 3 enhancer GRCh37_chr11:72012242-72013441; plus strand). Cytogenetic location: 11q13.4.
Variant type: single nucleotide variant.
Coding change: c.1140C>T on transcript NM_001258392.3 (MANE Select); coding-DNA position 1140, C replaced by T.
Protein change: p.Asp380=; no amino-acid change (aspartic acid 380 retained).
Molecular consequence: synonymous variant.
Genome position (GRCh38, 1-based): chr11:72,302,331, G>A on the plus strand (C>T on the coding strand, the complement: CLPB is on the minus strand). VCF-style: chr11-72302331-G-A. GRCh37 (hg19) VCF-style: chr11-72013375-G-A.
Other names: c.1053C>T, p.Asp351= (NM_001258393.3); c.1095C>T, p.Asp365= (NM_001258394.3); c.1230C>T, p.Asp410= (NM_030813.6).
Identifiers: ClinVar variation 724996 (VCV000724996.16), dbSNP rs200950385, ClinGen allele CA6171252.
Genomic context (GRCh38, chr11:72,302,331, plus strand): 5'-ACCATGCTTCAATCAAGGACTGTCATCACTCACCTCGTGTCGCTCCTGGAACTCGGACAT[G>A]TCCAGCCTGATGAAGCCCTGTGTGGAAACAAGCAAGTACCAACTCCGTTTGGAGGCAGGA-3'
Protein context (NP_001245321.1, residues 370-390): KDAKKGFIRL[Asp380=]MSEFQERHEV

ClinVar aggregate classification (germline): Conflicting classifications of pathogenicity. Review status: criteria provided, conflicting classifications (1 of 4 stars). 4 submissions from 4 submitters: Uncertain significance (1); Likely benign (2). 1 of the submissions does not count toward it. Last evaluated 2026-01-12.

Conditions:
CLPB-related disorder. Also called: CLPB-related condition.
3-methylglutaconic aciduria, type VIIB (MGCA7B). Also called: CLPB Deficiency; 3-methylglutaconic aciduria, type VII, with cataracts, neurologic involvement and neutropenia; 3-methylglutaconic aciduria with cataracts, neurologic involvement and neutropenia. Identifiers: Orphanet 445038, MedGen C5676893, MONDO:0014561, OMIM 616271.

Allele frequency attached by ClinVar (database versions not stated): gnomAD exomes 0.00004; ExAC 0.00006; gnomAD 0.00006 and 0.00007; TOPMed 0.00007; ESP Exome Variant Server 0.00015; 1000 Genomes Project 0.00020; 1000 Genomes Project 30x 0.00031.
gnomAD v4.1: 66 of 1,614,114 alleles (0.0041%); highest among the groups gnomAD compares: Admixed American, 0.012%; 1 homozygote.

Submissions (4):

Labcorp Genetics (formerly Invitae), Labcorp
Classification: Likely benign for 3-methylglutaconic aciduria, type VIIB. Last evaluated: 2026-01-12. Review status: criteria provided, single submitter. Criteria: Invitae Variant Classification Sherloc (09022015). Collection method: clinical testing. Allele origin: germline.

Blueprint Genetics
Classification: Likely benign. Last evaluated: 2024-05-27. Review status: criteria provided, single submitter. Criteria: ACMG Guidelines, 2015. Collection method: clinical testing. Allele origin: germline.

GeneDx
Classification: Uncertain significance. Last evaluated: 2021-07-16. Review status: criteria provided, single submitter. Criteria: GeneDx Variant Classification Process June 2021. Collection method: clinical testing. Allele origin: germline. Affected: yes.
Comment: Not observed at significant frequency in large population cohorts (Lek et al., 2016); In silico analysis supports that this variant does not alter splicing; Has not been previously published as pathogenic or benign to our knowledge; This variant is associated with the following publications: (PMID: 27535533)

PreventionGenetics, part of Exact Sciences
Classification: Likely benign for CLPB-related condition. Last evaluated: 2019-04-01. Review status: no assertion criteria provided. Collection method: clinical testing. Allele origin: germline. Not counted in ClinVar's aggregate classification.
Comment: This variant is classified as likely benign based on ACMG/AMP sequence variant interpretation guidelines (Richards et al. 2015 PMID: 25741868, with internal and published modifications).